The following is an entry in ClinVar:

ClinVar aggregate classification (germline): Benign/Likely benign. Review status: criteria provided, multiple submitters, no conflicts (2 of 4 stars). 9 submissions from 9 submitters: Benign (1); Likely benign (7). 1 of the submissions does not count toward it. Last evaluated 2025-10-20.

Conditions:
MYH7-related disorder. Also called: MYH7-related disorders; MYH7-related condition; MYH7-related disease.
Cardiovascular phenotype. Identifiers: MedGen CN230736.
Cardiomyopathy (CMYO). Also called: Cardiomyopathies. Identifiers: Orphanet 167848, MedGen C0878544, MONDO:0004994, HP:0001638. Inheritance: Various modes of inheritance.
Hypertrophic cardiomyopathy. Also called: HYPERTROPHIC MYOCARDIOPATHY. Identifiers: Orphanet 217569, MedGen C0007194, MeSH D002312, MONDO:0005045, HP:0001639.

Allele frequency attached by ClinVar (database versions not stated): ExAC 0.00001; gnomAD 0.00001; TOPMed 0.00003; ESP Exome Variant Server 0.00008.
gnomAD v4.1: 29 of 1,614,034 alleles (0.0018%); highest among the groups gnomAD compares: East Asian, 0.0022%; no homozygotes.

Submissions (9):

Labcorp Genetics (formerly Invitae), Labcorp
Classification: Likely benign for Hypertrophic cardiomyopathy. Last evaluated: 2025-10-20. Review status: criteria provided, single submitter. Criteria: Invitae Variant Classification Sherloc (09022015). Collection method: clinical testing. Allele origin: germline.

All of Us Research Program, National Institutes of Health
Classification: Likely benign for Cardiomyopathy. Last evaluated: 2023-12-01. Review status: criteria provided, single submitter. Criteria: ACMG Guidelines, 2015. Collection method: clinical testing. Allele origin: germline. Inheritance: Autosomal dominant inheritance. Observed: 10 variant alleles, 10 heterozygotes.
Comment: This study involves interpretation of variants in research participants for the purpose of population health screening. Participant phenotype was not available at the time of variant classification. Additional details can be found in publication PMID: 35346344, PMCID: PMC8962531

Blueprint Genetics
Classification: Likely benign. Last evaluated: 2023-04-19. Review status: criteria provided, single submitter. Criteria: ACMG Guidelines, 2015. Collection method: clinical testing. Allele origin: germline.

Ambry Genetics
Classification: Likely benign for Cardiovascular phenotype. Last evaluated: 2019-08-29. Review status: criteria provided, single submitter. Criteria: Ambry Variant Classification Scheme 2023. Collection method: clinical testing. Allele origin: germline.

Women's Health and Genetics/Laboratory Corporation of America, LabCorp
Classification: Likely benign. Last evaluated: 2019-08-29. Review status: criteria provided, single submitter. Criteria: LabCorp Variant Classification Summary - May 2015. Collection method: clinical testing. Allele origin: germline.

Color Diagnostics, LLC DBA Color Health
Classification: Likely benign for Cardiomyopathy. Last evaluated: 2019-03-19. Review status: criteria provided, single submitter. Criteria: ACMG Guidelines, 2015. Collection method: clinical testing. Allele origin: germline.

GeneDx
Classification: Benign. Last evaluated: 2015-04-16. Review status: criteria provided, single submitter. Criteria: GeneDx Variant Classification (06012015). Collection method: clinical testing. Allele origin: germline. Affected: yes.
Comment: This variant is considered likely benign or benign based on one or more of the following criteria: it is a conservative change, it occurs at a poorly conserved position in the protein, it is predicted to be benign by multiple in silico algorithms, and/or has population frequency not consistent with disease.

Laboratory for Molecular Medicine, Mass General Brigham Personalized Medicine
Classification: Likely benign. Last evaluated: 2012-03-20. Review status: criteria provided, single submitter. Criteria: LMM Criteria. Collection method: clinical testing. Allele origin: germline. Observed: 2 variant alleles.
Comment: Ala1637Ala in exon 34 of MYH7: This variant is not expected to have clinical sig nificance because it does not alter an amino acid residue and is not located wit hin the splice consensus sequence. It has been identified in 1/3738 African Amer ican chromosomes from a broad population by the NHLBI Exome Sequencing Project (dbSNP rs151113658). Ala1637Ala in exon 34 of MYH7 (rs151113658; allele frequency = 1/3738) **

PreventionGenetics, part of Exact Sciences
Classification: Likely benign for MYH7-related condition. Last evaluated: 2022-12-27. Review status: no assertion criteria provided. Collection method: clinical testing. Allele origin: germline. Not counted in ClinVar's aggregate classification.
Comment: This variant is classified as likely benign based on ACMG/AMP sequence variant interpretation guidelines (Richards et al. 2015 PMID: 25741868, with internal and published modifications).

Literature cited by the submitters: PubMed 24503780 (cited by Ambry Genetics).

NM_000257.4(MYH7):c.4911C>T (p.Ala1637=)

Genes: MHRT (myosin heavy chain associated RNA transcript; plus strand), MYH7 (myosin heavy chain 7; minus strand), LOC126861897 (BRD4-independent group 4 enhancer GRCh37_chr14:23884455-23885654; plus strand). Cytogenetic location: 14q11.2.
Variant type: single nucleotide variant.
Coding change: c.4911C>T on transcript NM_000257.4 (MANE Select); coding-DNA position 4911, C replaced by T.
Protein change: p.Ala1637=; no amino-acid change (alanine 1637 retained).
Molecular consequence: synonymous variant. On other transcripts: non-coding transcript variant (1).
Genome position (GRCh38, 1-based): chr14:23,416,046, G>A on the plus strand (C>T on the coding strand, the complement: MYH7 is on the minus strand). VCF-style: chr14-23416046-G-A. GRCh37 (hg19) VCF-style: chr14-23885255-G-A.
Identifiers: ClinVar variation 43045 (VCV000043045.24), dbSNP rs151113658, ClinGen allele CA015462.